The following is an entry in ClinVar:

NM_001114753.3(ENG):c.1076T>G (p.Ile359Ser)

Gene: ENG (endoglin; minus strand). Cytogenetic location: 9q34.11.
Variant type: single nucleotide variant.
Coding change: c.1076T>G on transcript NM_001114753.3 (MANE Select); coding-DNA position 1076, T replaced by G.
Protein change: p.Ile359Ser; replaces isoleucine 359 with serine.
Molecular consequence: missense variant.
Genome position (GRCh38, 1-based): chr9:127,824,362, A>C on the plus strand (T>G on the coding strand, the complement: ENG is on the minus strand). VCF-style: chr9-127824362-A-C. GRCh37 (hg19) VCF-style: chr9-130586641-A-C.
Other names: p.Ile359Ser; c.1076T>G, p.Ile359Ser (NM_000118.4, NM_001406715.1); c.530T>G, p.Ile177Ser (NM_001278138.2); short protein forms I177S, I359S.
Identifiers: ClinVar variation 2683066 (VCV002683066.3), dbSNP rs2131885879, ClinGen allele CA374980773.

ClinVar aggregate classification (germline): Uncertain significance. Review status: criteria provided, multiple submitters, no conflicts (2 of 4 stars). 2 submissions from 2 submitters: Uncertain significance (2). Last evaluated 2025-01-28.

Conditions:
Hereditary hemorrhagic telangiectasia (HHT). Also called: ORW DISEASE; Osler Weber Rendu syndrome; OSLER-RENDU-WEBER DISEASE; Osler hemorrhagic telangiectasia syndrome. Identifiers: Orphanet 774, MedGen C0039445, MONDO:0019180. Disease mechanism: loss of function.

Submissions (2):

Labcorp Genetics (formerly Invitae), Labcorp
Classification: Uncertain significance for Hereditary hemorrhagic telangiectasia. Last evaluated: 2025-01-28. Review status: criteria provided, single submitter. Criteria: Invitae Variant Classification Sherloc (09022015). Collection method: clinical testing. Allele origin: germline.
Comment: This sequence change replaces isoleucine, which is neutral and non-polar, with serine, which is neutral and polar, at codon 359 of the ENG protein (p.Ile359Ser). This variant is not present in population databases (gnomAD no frequency). This variant has not been reported in the literature in individuals affected with ENG-related conditions. ClinVar contains an entry for this variant (Variation ID: 2683066). Invitae Evidence Modeling of protein sequence and biophysical properties (such as structural, functional, and spatial information, amino acid conservation, physicochemical variation, residue mobility, and thermodynamic stability) has been performed for this missense variant. However, the output from this modeling did not meet the statistical confidence thresholds required to predict the impact of this variant on ENG protein function. In summary, the available evidence is currently insufficient to determine the role of this variant in disease. Therefore, it has been classified as a Variant of Uncertain Significance.

Mayo Clinic Laboratories, Mayo Clinic
Classification: Uncertain significance. Last evaluated: 2022-12-06. Review status: criteria provided, single submitter. Criteria: ACMG Guidelines, 2015. Collection method: clinical testing. Allele origin: germline. Observed: 1 variant allele.
Comment: BP4, PM2_supporting